The following is an entry in ClinVar:

NM_000550.3(TYRP1):c.1389_1390del (p.Thr463_Tyr464insTer)

Genes: LURAP1L-AS1 (LURAP1L antisense RNA 1; minus strand), TYRP1 (tyrosinase related protein 1; plus strand). Cytogenetic location: 9p23.
Variant type: Deletion.
Coding change: c.1389_1390del on transcript NM_000550.3 (MANE Select); coding-DNA positions 1389 to 1390, 2 bases deleted (TT; older notation c.1389_1390delTT).
Protein change: p.Thr463_Tyr464insTer.
Molecular consequence: frameshift variant.
Genome position (GRCh38, 1-based): chr9:12,708,124-12,708,125, TT deleted. VCF-style (leftmost placement, unchanged base first): chr9-12708123-CTT-C. GRCh37 (hg19) VCF-style: chr9-12708123-CTT-C.
Identifiers: ClinVar variation 1517641 (VCV001517641.5), dbSNP rs1818290700, ClinGen allele CA1121431729.

ClinVar aggregate classification (germline): Uncertain significance (1 of 4 stars; one submission).

Allele frequency attached by ClinVar (database versions not stated): gnomAD exomes below 0.00001; gnomAD 0.00001; TOPMed 0.00001.

Submission:

Labcorp Genetics (formerly Invitae), Labcorp
Classification: Uncertain significance. Last evaluated: 2025-01-19. Review status: criteria provided, single submitter. Criteria: Invitae Variant Classification Sherloc (09022015). Collection method: clinical testing. Allele origin: germline.
Comment: This sequence change creates a premature translational stop signal (p.Tyr464*) in the TYRP1 gene. While this is not anticipated to result in nonsense mediated decay, it is expected to disrupt the last 74 amino acid(s) of the TYRP1 protein. This variant is not present in population databases (gnomAD no frequency). This premature translational stop signal has been observed in individual(s) with oculocutaneous albinism (internal data). ClinVar contains an entry for this variant (Variation ID: 1517641). Experimental studies and prediction algorithms are not available or were not evaluated, and the functional significance of this variant is currently unknown. In summary, the available evidence is currently insufficient to determine the role of this variant in disease. Therefore, it has been classified as a Variant of Uncertain Significance.